The following is an entry in ClinVar:

NM_002335.4(LRP5):c.2254C>G (p.Arg752Gly)

Gene: LRP5 (LDL receptor related protein 5; plus strand). Cytogenetic location: 11q13.2.
Variant type: single nucleotide variant.
Coding change: c.2254C>G on transcript NM_002335.4 (MANE Select); coding-DNA position 2254, C replaced by G.
Protein change: p.Arg752Gly; replaces arginine 752 with glycine.
Molecular consequence: missense variant.
Genome position (GRCh38, 1-based): chr11:68,410,076, C>G. VCF-style: chr11-68410076-C-G. GRCh37 (hg19) VCF-style: chr11-68177544-C-G.
Other names: c.511C>G, p.Arg171Gly (NM_001291902.2); short protein forms R752G, R171G.
Identifiers: ClinVar variation 6290 (VCV000006290.6), dbSNP rs121908674, ClinGen allele CA118105.

ClinVar aggregate classification (germline): Pathogenic. Review status: criteria provided, single submitter (1 of 4 stars). 2 submissions from 2 submitters: Pathogenic (1). 1 of the submissions does not count toward it. Last evaluated 2022-03-19.

Conditions:
Exudative vitreoretinopathy 4, autosomal recessive. Identifiers: MedGen C4016839.

Submissions (2):

Labcorp Genetics (formerly Invitae), Labcorp
Classification: Pathogenic. Last evaluated: 2022-03-19. Review status: criteria provided, single submitter. Criteria: Invitae Variant Classification Sherloc (09022015). Collection method: clinical testing. Allele origin: germline.
Comment: This variant disrupts the p.Arg752 amino acid residue in LRP5. Other variant(s) that disrupt this residue have been determined to be pathogenic (PMID: 25384351, 30452590, 31077665). This suggests that this residue is clinically significant, and that variants that disrupt this residue are likely to be disease-causing. Advanced modeling of protein sequence and biophysical properties (such as structural, functional, and spatial information, amino acid conservation, physicochemical variation, residue mobility, and thermodynamic stability) performed at Invitae indicates that this missense variant is expected to disrupt LRP5 protein function. ClinVar contains an entry for this variant (Variation ID: 6290). This missense change has been observed in individual(s) with familial exudative vitreoretinopathy (PMID: 15346351). It has also been observed to segregate with disease in related individuals. This variant is not present in population databases (gnomAD no frequency). This sequence change replaces arginine, which is basic and polar, with glycine, which is neutral and non-polar, at codon 752 of the LRP5 protein (p.Arg752Gly). For these reasons, this variant has been classified as Pathogenic.

OMIM
Classification: Pathogenic for EXUDATIVE VITREORETINOPATHY 4, AUTOSOMAL RECESSIVE. Last evaluated: 2004-11-01. Review status: no assertion criteria provided. Collection method: literature only. Allele origin: germline. Not counted in ClinVar's aggregate classification.

Literature cited by the submitters: PubMed 25384351 (cited by Labcorp Genetics (formerly Invitae), Labcorp); PubMed 30452590 (cited by Labcorp Genetics (formerly Invitae), Labcorp); PubMed 31077665 (cited by Labcorp Genetics (formerly Invitae), Labcorp); PubMed 15346351 (cited by Labcorp Genetics (formerly Invitae), Labcorp and OMIM); PubMed 9056564 (cited by OMIM).